The following is an entry in ClinVar:

ClinVar aggregate classification (germline): Likely benign (1 of 4 stars; one submission).

Allele frequency attached by ClinVar (database versions not stated): 1000 Genomes Project 30x 0.00062; 1000 Genomes Project 0.00120.
gnomAD v4.1: 3,752 of 1,115,002 alleles (0.34%); highest among the groups gnomAD compares: Non-Finnish European, 0.38%; 7 homozygotes.

Submission:

CeGaT Center for Human Genetics Tuebingen
Classification: Likely benign. Last evaluated: 2023-01-01. Review status: criteria provided, single submitter. Criteria: CeGaT Center For Human Genetics Tuebingen Variant Classification Criteria Version 2. Collection method: clinical testing. Allele origin: germline. Affected: yes. Observed: 1 variant allele.
Comment: SDK1: BP4, BP7

NM_152744.4(SDK1):c.243C>G (p.Arg81=)

Genes: SDK1 (sidekick cell adhesion molecule 1; plus strand), SDK1-AS1 (SDK1 antisense RNA 1; minus strand). Cytogenetic location: 7p22.2.
Variant type: single nucleotide variant.
Coding change: c.243C>G on transcript NM_152744.4 (MANE Select); coding-DNA position 243, C replaced by G.
Protein change: p.Arg81=; no amino-acid change (arginine 81 retained).
Molecular consequence: synonymous variant.
Genome position (GRCh38, 1-based): chr7:3,301,829, C>G. VCF-style: chr7-3301829-C-G. GRCh37 (hg19) VCF-style: chr7-3341461-C-G.
Identifiers: ClinVar variation 2657245 (VCV002657245.24), dbSNP rs542888434, ClinGen allele CA152912597.